The following is an entry in ClinVar:

NM_001985.3(ETFB):c.216+7A>G

Gene: ETFB (electron transfer flavoprotein subunit beta; minus strand). Cytogenetic location: 19q13.41.
Variant type: single nucleotide variant.
Coding change: c.216+7A>G on transcript NM_001985.3 (MANE Select); 7 bases into the intron after coding-DNA position 216, A replaced by G.
Molecular consequence: intron variant.
Genome position (GRCh38, 1-based): chr19:51,354,143, T>C on the plus strand (A>G on the coding strand, the complement: ETFB is on the minus strand). VCF-style: chr19-51354143-T-C. GRCh37 (hg19) VCF-style: chr19-51857397-T-C.
Other names: c.489+7A>G (NM_001014763.1); c.216+7A>G (NM_001985.2).
Identifiers: ClinVar variation 1152263 (VCV001152263.11), dbSNP rs910583174, ClinGen allele CA309737866.

ClinVar aggregate classification (germline): Likely benign. Review status: criteria provided, single submitter (1 of 4 stars). 2 submissions from 2 submitters: Likely benign (1). 1 of the submissions does not count toward it. Last evaluated 2025-12-18.

Conditions:
ETFB-related disorder. Also called: ETFB-related condition.
Multiple acyl-CoA dehydrogenase deficiency (MADD). Also called: ETHYLMALONIC-ADIPICACIDURIA; GA II; Glutaric aciduria, type 2; Glutaric Acidemia type 2; Glutaric acidemia type II; GA 2. Identifiers: Orphanet 26791, MedGen C0268596, MONDO:0009282, OMIM 231680.

Allele frequency attached by ClinVar (database versions not stated): gnomAD exomes below 0.00001; gnomAD 0.00004 and 0.00005; TOPMed 0.00006.
gnomAD v4.1: 10 of 1,613,224 alleles (0.00062%); highest among the groups gnomAD compares: African/African-American, 0.012%; no homozygotes.

Submissions (2):

Labcorp Genetics (formerly Invitae), Labcorp
Classification: Likely benign for Multiple acyl-CoA dehydrogenase deficiency. Last evaluated: 2025-12-18. Review status: criteria provided, single submitter. Criteria: Invitae Variant Classification Sherloc (09022015). Collection method: clinical testing. Allele origin: germline.

PreventionGenetics, part of Exact Sciences
Classification: Likely benign for ETFB-related condition. Last evaluated: 2022-09-22. Review status: no assertion criteria provided. Collection method: clinical testing. Allele origin: germline. Not counted in ClinVar's aggregate classification.
Comment: This variant is classified as likely benign based on ACMG/AMP sequence variant interpretation guidelines (Richards et al. 2015 PMID: 25741868, with internal and published modifications).